The following is an entry in ClinVar:

NM_000059.4(BRCA2):c.670_671delinsC (p.Asp224fs)

Gene: BRCA2 (BRCA2 DNA repair associated; plus strand). Cytogenetic location: 13q13.1.
Variant type: Indel.
Coding change: c.670_671delinsC on transcript NM_000059.4 (MANE Select); coding-DNA positions 670 to 671, GA replaced by C.
Protein change: p.Asp224fs; shifts the reading frame from aspartic acid 224.
Molecular consequence: frameshift variant. On other transcripts: non-coding transcript variant (1).
Genome position (GRCh38, 1-based): chr13:32,329,481-32,329,482, GA replaced by C. VCF-style: chr13-32329481-GA-C. GRCh37 (hg19) VCF-style: chr13-32903618-GA-C.
Other names: c.670_671delinsC, p.Asp224fs (NM_001406719.1, NM_001406720.1, NM_001406721.1 and 1 more transcripts); c.301_302delinsC, p.Asp101fs (NM_001406722.1); short protein forms D101fs, D224fs.
Identifiers: ClinVar variation 4856735 (VCV004856735.1).

ClinVar aggregate classification (germline): Pathogenic (1 of 4 stars; one submission).

Conditions:
Breast-ovarian cancer, familial, susceptibility to, 2 (BROVCA2). Also called: BRCA2 Hereditary Breast and Ovarian Cancer. Identifiers: Orphanet 145, MedGen C2675520, MONDO:0012933, OMIM 612555. Disease mechanism: loss of function.

Submission:

Myriad Genetics, Inc.
Classification: Pathogenic for Breast-ovarian cancer, familial, susceptibility to, 2. Last evaluated: 2026-02-03. Review status: criteria provided, single submitter. Criteria: Myriad Autosomal Dominant, Autosomal Recessive and X-Linked Classification Criteria (2023). Collection method: clinical testing. Allele origin: unknown.
Comment: This variant is considered pathogenic. This variant creates a frameshift predicted to result in premature protein truncation.